The following is an entry in ClinVar:

ClinVar aggregate classification (germline): Likely benign. Review status: criteria provided, multiple submitters, no conflicts (2 of 4 stars). 2 submissions from 2 submitters: Likely benign (2). Last evaluated 2025-12-26.

Conditions:
Hyperekplexia 3 (HKPX3). Also called: HYPEREKPLEXIA 3, AUTOSOMAL RECESSIVE; HYPEREKPLEXIA 3, AUTOSOMAL DOMINANT. Identifiers: Orphanet 3197, MedGen C3553288, MONDO:0013827, OMIM 614618.

Allele frequency attached by ClinVar (database versions not stated): gnomAD 0.00003 and 0.00004; gnomAD exomes 0.00003; TOPMed 0.00003; ExAC 0.00005; ESP Exome Variant Server 0.00008.
gnomAD v4.1: 27 of 1,613,938 alleles (0.0017%); highest among the groups gnomAD compares: Middle Eastern, 0.033%; no homozygotes.

Submissions (2):

Labcorp Genetics (formerly Invitae), Labcorp
Classification: Likely benign for Hyperekplexia 3. Last evaluated: 2025-12-26. Review status: criteria provided, single submitter. Criteria: Invitae Variant Classification Sherloc (09022015). Collection method: clinical testing. Allele origin: germline.

CeGaT Center for Human Genetics Tuebingen
Classification: Likely benign. Last evaluated: 2022-03-01. Review status: criteria provided, single submitter. Criteria: CeGaT Center For Human Genetics Tuebingen Variant Classification Criteria Version 2. Collection method: clinical testing. Allele origin: germline. Affected: yes. Observed: 1 variant allele.
Comment: SLC6A5: BP4, BP7

NM_004211.5(SLC6A5):c.1281G>A (p.Thr427=)

Gene: SLC6A5 (solute carrier family 6 member 5; plus strand). Cytogenetic location: 11p15.1.
Variant type: single nucleotide variant.
Coding change: c.1281G>A on transcript NM_004211.5 (MANE Select); coding-DNA position 1281, G replaced by A.
Protein change: p.Thr427=; no amino-acid change (threonine 427 retained).
Molecular consequence: synonymous variant.
Genome position (GRCh38, 1-based): chr11:20,626,728, G>A. VCF-style: chr11-20626728-G-A. GRCh37 (hg19) VCF-style: chr11-20648274-G-A.
Other names: c.579G>A, p.Thr193= (NM_001318369.2).
Identifiers: ClinVar variation 304020 (VCV000304020.36), dbSNP rs148416271, ClinGen allele CA5921396.